The following is an entry in ClinVar:

ClinVar aggregate classification (germline): Uncertain significance (1 of 4 stars; one submission).

Conditions:
Alstrom syndrome (ALMS). Identifiers: Orphanet 64, MedGen C0268425, MONDO:0008763, OMIM 203800.

Allele frequency attached by ClinVar (database versions not stated): gnomAD 0.00001.
gnomAD v4.1: 1 of 1,614,034 alleles (0.000062%); highest among the groups gnomAD compares: African/African-American, 0.0013%; no homozygotes.

Submission:

Labcorp Genetics (formerly Invitae), Labcorp
Classification: Uncertain significance for Alstrom syndrome. Last evaluated: 2022-03-24. Review status: criteria provided, single submitter. Criteria: Invitae Variant Classification Sherloc (09022015). Collection method: clinical testing. Allele origin: germline.
Comment: In summary, the available evidence is currently insufficient to determine the role of this variant in disease. Therefore, it has been classified as a Variant of Uncertain Significance. Experimental studies and prediction algorithms are not available or were not evaluated, and the functional significance of this variant is currently unknown. This variant has not been reported in the literature in individuals affected with ALMS1-related conditions. This variant is not present in population databases (gnomAD no frequency). This sequence change replaces serine, which is neutral and polar, with threonine, which is neutral and polar, at codon 2724 of the ALMS1 protein (p.Ser2724Thr).

NM_001378454.1(ALMS1):c.8167T>A (p.Ser2723Thr)

Gene: ALMS1 (ALMS1 centrosome and basal body associated protein; plus strand). Cytogenetic location: 2p13.1.
Variant type: single nucleotide variant.
Coding change: c.8167T>A on transcript NM_001378454.1 (MANE Select); coding-DNA position 8167, T replaced by A.
Protein change: p.Ser2723Thr; replaces serine 2723 with threonine.
Molecular consequence: missense variant.
Genome position (GRCh38, 1-based): chr2:73,490,126, T>A. VCF-style: chr2-73490126-T-A. GRCh37 (hg19) VCF-style: chr2-73717253-T-A.
Other names: c.8170T>A, p.Ser2724Thr (NM_015120.4); short protein forms S2723T, S2724T.
Identifiers: ClinVar variation 2140979 (VCV002140979.2), dbSNP rs1672945284, ClinGen allele CA347267728.